The following is an entry in ClinVar:

NM_000128.4(F11):c.1789G>A (p.Glu597Lys)

Genes: F11 (coagulation factor XI; plus strand), F11-AS1 (F11 antisense RNA 1; minus strand). Cytogenetic location: 4q35.2.
Variant type: single nucleotide variant.
Coding change: c.1789G>A on transcript NM_000128.4 (MANE Select); coding-DNA position 1789, G replaced by A.
Protein change: p.Glu597Lys; replaces glutamic acid 597 with lysine.
Molecular consequence: missense variant. On other transcripts: non-coding transcript variant (1).
Genome position (GRCh38, 1-based): chr4:186,288,525, G>A. VCF-style: chr4-186288525-G-A. GRCh37 (hg19) VCF-style: chr4-187209679-G-A.
Other names: short protein forms E597K.
Identifiers: ClinVar variation 68188 (VCV000068188.5), dbSNP rs281875251, ClinGen allele CA219130.

ClinVar aggregate classification (germline): Conflicting classifications of pathogenicity. Review status: criteria provided, conflicting classifications (1 of 4 stars). 5 submissions from 5 submitters: Likely pathogenic (2); Uncertain significance (1). 2 of the submissions do not count toward it. Last evaluated 2025-10-09.

Conditions:
Hereditary factor XI deficiency disease. Also called: PLASMA THROMBOPLASTIN ANTECEDENT DEFICIENCY; PTA DEFICIENCY; ROSENTHAL SYNDROME; Congenital factor XI deficiency. Identifiers: Orphanet 329, MedGen C0015523, MeSH D005173, MONDO:0012897, OMIM 612416.

Allele frequency attached by ClinVar (database versions not stated): ExAC 0.00001; gnomAD 0.00001; TOPMed 0.00001; gnomAD exomes below 0.00001.
gnomAD v4.1: 7 of 1,614,052 alleles (0.00043%); highest among the groups gnomAD compares: East Asian, 0.0022%; no homozygotes.

Submissions (5):

Myriad Genetics, Inc.
Classification: Uncertain significance for Hereditary factor XI deficiency disease. Last evaluated: 2025-10-09. Review status: criteria provided, single submitter. Criteria: Myriad Autosomal Dominant, Autosomal Recessive and X-Linked Classification Criteria (2023). Collection method: clinical testing. Allele origin: unknown.
Comment: NM_000128.3(F11):c.1789G>A(E597K) is a missense variant classified as a variant of uncertain significance in the context of factor XI deficiency. E597K has been observed in cases with relevant disease (PMID: 21649796, 23305485, 16607084, 22159456). Relevant functional assessments of this variant are not available in the literature. E597K has been observed in referenced population frequency databases. In summary, there is insufficient evidence to classify NM_000128.3(F11):c.1789G>A(E597K) as pathogenic or benign. Please note: this variant was assessed in the context of healthy population screening.

GeneDx
Classification: Likely pathogenic. Last evaluated: 2023-06-05. Review status: criteria provided, single submitter. Criteria: GeneDx Variant Classification Process June 2021. Collection method: clinical testing. Allele origin: germline. Affected: yes.
Comment: Not observed at significant frequency in large population cohorts (gnomAD); In silico analysis supports that this missense variant does not alter protein structure/function; This variant is associated with the following publications: (PMID: 21649796, 19652879, 23305485, 22159456, 16607084)

ISTH-SSC Genomics in Thrombosis and Hemostasis, KU Leuven, Center for Molecular and Vascular Biology
Classification: Likely pathogenic for Hereditary factor XI deficiency disease. Review status: criteria provided, single submitter. Criteria: ACMG Guidelines, 2015. Collection method: clinical testing. Allele origin: germline. Affected: yes. Observed: 1 heterozygote.
Comment: Submitted to the GoldVariant database by Kathleen Freson, Center for Molecular and Vascular Biology

Counsyl
Classification: Uncertain significance for Hereditary factor XI deficiency disease. Last evaluated: 2017-12-08. Review status: no assertion criteria provided. Collection method: clinical testing. Allele origin: unknown. Not counted in ClinVar's aggregate classification.

UniProtKB/Swiss-Prot
No classification provided. Review status: no classification provided. Collection method: not provided. Allele origin: not provided. Not counted in ClinVar's aggregate classification.

Literature cited by the submitters: PubMed 16607084 (cited by Myriad Genetics, Inc. and Counsyl); PubMed 21649796 (cited by Myriad Genetics, Inc. and Counsyl); PubMed 22159456 (cited by Myriad Genetics, Inc. and Counsyl); PubMed 23305485 (cited by Myriad Genetics, Inc. and Counsyl).